The following is an entry in ClinVar:

ClinVar aggregate classification (germline): Uncertain significance. Review status: criteria provided, multiple submitters, no conflicts (2 of 4 stars). 2 submissions from 2 submitters: Uncertain significance (2). Last evaluated 2023-08-04.

Conditions:
Inborn genetic diseases. Identifiers: MedGen C0950123, MeSH D030342.

Allele frequency attached by ClinVar (database versions not stated): gnomAD exomes below 0.00001 and 0.00001; TOPMed below 0.00001; gnomAD 0.00001; ExAC 0.00002.
gnomAD v4.1: 5 of 1,614,014 alleles (0.00031%); highest among the groups gnomAD compares: Admixed American, 0.0017%; no homozygotes.

Submissions (2):

Ambry Genetics
Classification: Uncertain significance for Inborn genetic diseases. Last evaluated: 2023-08-04. Review status: criteria provided, single submitter. Criteria: Ambry Variant Classification Scheme 2023. Collection method: clinical testing. Allele origin: germline.

Labcorp Genetics (formerly Invitae), Labcorp
Classification: Uncertain significance. Last evaluated: 2021-12-02. Review status: criteria provided, single submitter. Criteria: Invitae Variant Classification Sherloc (09022015). Collection method: clinical testing. Allele origin: germline.
Comment: This sequence change replaces valine, which is neutral and non-polar, with methionine, which is neutral and non-polar, at codon 117 of the NDUFA12 protein (p.Val117Met). This variant is present in population databases (rs748006665, gnomAD 0.003%). This variant has not been reported in the literature in individuals affected with NDUFA12-related conditions. Algorithms developed to predict the effect of missense changes on protein structure and function output the following: SIFT: "Deleterious"; PolyPhen-2: "Benign"; Align-GVGD: "Class C0". The methionine amino acid residue is found in multiple mammalian species, which suggests that this missense change does not adversely affect protein function. In summary, the available evidence is currently insufficient to determine the role of this variant in disease. Therefore, it has been classified as a Variant of Uncertain Significance.

NM_018838.5(NDUFA12):c.349G>A (p.Val117Met)

Gene: NDUFA12 (NADH:ubiquinone oxidoreductase subunit A12; minus strand). Cytogenetic location: 12q22.
Variant type: single nucleotide variant.
Coding change: c.349G>A on transcript NM_018838.5 (MANE Select); coding-DNA position 349, G replaced by A.
Protein change: p.Val117Met; replaces valine 117 with methionine.
Molecular consequence: missense variant. On other transcripts: 3 prime UTR variant (1).
Genome position (GRCh38, 1-based): chr12:94,971,529, C>T on the plus strand (G>A on the coding strand, the complement: NDUFA12 is on the minus strand). VCF-style: chr12-94971529-C-T. GRCh37 (hg19) VCF-style: chr12-95365305-C-T.
Other names: c.*69G>A (NM_001258338.2); c.349G>A (NM_018838.3); short protein forms V117M.
Identifiers: ClinVar variation 1436040 (VCV001436040.4), dbSNP rs748006665, ClinGen allele CA6722504.